The following is an entry in ClinVar:

ClinVar aggregate classification (germline): Conflicting classifications of pathogenicity. Review status: criteria provided, conflicting classifications (1 of 4 stars). 13 submissions from 9 submitters: Uncertain significance (6); Benign (2); Likely benign (5). Last evaluated 2025-12-08.

Conditions:
TTN-related disorder. Also called: TTN-related condition; TTN-related disease; TTN-related disorders.
Autosomal recessive limb-girdle muscular dystrophy type 2J (LGMDR10). Also called: Limb-girdle muscular dystrophy, type 2J; MUSCULAR DYSTROPHY, LIMB-GIRDLE, AUTOSOMAL RECESSIVE 10. Identifiers: Orphanet 140922, MedGen C1837342, MONDO:0012127, OMIM 608807.
Dilated cardiomyopathy 1G (CMD1G). Identifiers: Orphanet 154, MedGen C1858763, MONDO:0011400, OMIM 604145.
Cardiomyopathy (CMYO). Also called: Cardiomyopathies. Identifiers: Orphanet 167848, MedGen C0878544, MONDO:0004994, HP:0001638. Inheritance: Various modes of inheritance.
Myopathy, myofibrillar, 9, with early respiratory failure (MFM9). Also called: Hereditary myopathy with early respiratory failure; MYOPATHY, PROXIMAL, WITH EARLY RESPIRATORY MUSCLE INVOLVEMENT; EDSTROM MYOPATHY; Myopathy, distal, with early respiratory failure, autosomal dominant. Identifiers: Orphanet 178464, Orphanet 34521, MedGen C1863599, MONDO:0011362, OMIM 603689.
Tibial muscular dystrophy (TMD). Also called: Udd Distal Myopathy – Tibial Muscular Dystrophy; UDD MYOPATHY; Tibial muscular dystrophy, tardive. Identifiers: Orphanet 609, MedGen C1838244, MONDO:0010870, OMIM 600334.
Early-onset myopathy with fatal cardiomyopathy (CMYO5). Also called: Salih Myopathy; CONGENITAL MYOPATHY 5 WITH CARDIOMYOPATHY. Identifiers: Orphanet 289377, MedGen C2673677, MONDO:0012714, OMIM 611705. Disease mechanism: loss of function.

Allele frequency attached by ClinVar (database versions not stated): ESP Exome Variant Server 0.00009; TOPMed 0.00015; gnomAD 0.00019 and 0.00021.
gnomAD v4.1: 324 of 1,588,324 alleles (0.02%); highest among the groups gnomAD compares: Non-Finnish European, 0.026%; 1 homozygote.

Submissions (13):

Women's Health and Genetics/Laboratory Corporation of America, LabCorp
Classification: Uncertain significance. Last evaluated: 2025-12-08. Review status: criteria provided, single submitter. Criteria: LabCorp Variant Classification Summary - May 2015. Collection method: clinical testing. Allele origin: germline.
Comment: Variant summary: TTN c.27913A>G (p.Ile9305Val) results in a conservative amino acid change located in the I-band region of the encoded protein sequence. Algorithms developed to predict the effect of missense changes on protein structure and function all suggest that this variant is likely to be tolerated. The variant allele was found at a frequency of 0.0002 in 1581382 control chromosomes, predominantly at a frequency of 0.00026 within the Non-Finnish European subpopulation in the gnomAD database, including 1 homozygote. This frequency is somewhat lower than the maximum estimated for disease-causing variants in TTN, allowing no clear conclusion about variant significance. c.27913A>G has been observed in individuals affected with potential TTN-related heart conditions, without strong evidence for causality (e.g. Campuzano_2015, Sanchez_2016); in addition one of these reports listed this variant as probably benign (Sanchez_2016). These report(s) do not provide unequivocal conclusions about association of the variant with TTN-related conditions. To our knowledge, no experimental evidence demonstrating an impact on protein function has been reported. The following publications have been ascertained in the context of this evaluation (PMID: 27930701, 26516846). ClinVar contains an entry for this variant (Variation ID: 467005). Based on the evidence outlined above, the variant was classified as VUS-possibly benign.

Molecular Diagnostic Laboratory for Inherited Cardiovascular Disease, Montreal Heart Institute
Classification: Likely benign. Last evaluated: 2025-07-24. Review status: criteria provided, single submitter. Criteria: ACMG Guidelines, 2015. Collection method: clinical testing. Allele origin: germline. Affected: no.

PreventionGenetics, part of Exact Sciences
Classification: Likely benign for TTN-related condition. Last evaluated: 2025-05-28. Review status: criteria provided, single submitter. Criteria: ACMG Guidelines, 2015. Collection method: clinical testing. Allele origin: germline.
Comment: This variant is classified as likely benign based on ACMG/AMP sequence variant interpretation guidelines (Richards et al. 2015 PMID: 25741868, with internal and published modifications).

Blueprint Genetics
Classification: Likely benign. Last evaluated: 2024-08-28. Review status: criteria provided, single submitter. Criteria: ACMG Guidelines, 2015. Collection method: clinical testing. Allele origin: germline.

Revvity Omics, Revvity
Classification: Uncertain significance. Last evaluated: 2024-04-03. Review status: criteria provided, single submitter. Criteria: ACMG Guidelines, 2015. Collection method: clinical testing. Allele origin: germline.

CHEO Genetics Diagnostic Laboratory, Children's Hospital of Eastern Ontario
Classification: Likely benign for Cardiomyopathy. Last evaluated: 2023-01-12. Review status: criteria provided, single submitter. Criteria: ACMG Guidelines, 2015. Collection method: clinical testing. Allele origin: germline.

GeneDx
Classification: Likely benign. Last evaluated: 2020-12-16. Review status: criteria provided, single submitter. Criteria: GeneDx Variant Classification Process June 2021. Collection method: clinical testing. Allele origin: germline. Affected: yes.

Illumina Laboratory Services, Illumina
Classification: Benign for Tibial muscular dystrophy. Last evaluated: 2017-08-18. Review status: criteria provided, single submitter. Criteria: ICSL Variant Classification Criteria 13 December 2019. Collection method: clinical testing. Allele origin: germline.
Comment: This variant was observed as part of a predisposition screen in an ostensibly healthy population. A literature search was performed for the gene, cDNA change, and amino acid change (where applicable). No publications were found based on this search. Allele frequency data from public databases was too high to be consistent with this variant causing disease. Therefore, this variant is classified as benign.

Illumina Laboratory Services, Illumina
Classification: Benign for Dilated cardiomyopathy 1G. Last evaluated: 2017-08-18. Review status: criteria provided, single submitter. Criteria: ICSL Variant Classification Criteria 13 December 2019. Collection method: clinical testing. Allele origin: germline.
Comment: the same text as in the submission from Illumina Laboratory Services, Illumina above.

Labcorp Genetics (formerly Invitae), Labcorp
Classification: Uncertain significance for Dilated cardiomyopathy 1G; Autosomal recessive limb-girdle muscular dystrophy type 2J. Last evaluated: 2017-05-08. Review status: criteria provided, single submitter. Criteria: Invitae Variant Classification Sherloc (09022015). Collection method: clinical testing. Allele origin: germline.

Illumina Laboratory Services, Illumina
Classification: Uncertain significance for Myopathy, myofibrillar, 9, with early respiratory failure. Last evaluated: 2017-04-27. Review status: criteria provided, single submitter. Criteria: ICSL Variant Classification Criteria 13 December 2019. Collection method: clinical testing. Allele origin: germline.

Illumina Laboratory Services, Illumina
Classification: Uncertain significance for Autosomal recessive limb-girdle muscular dystrophy type 2J. Last evaluated: 2017-04-27. Review status: criteria provided, single submitter. Criteria: ICSL Variant Classification Criteria 13 December 2019. Collection method: clinical testing. Allele origin: germline.

Illumina Laboratory Services, Illumina
Classification: Uncertain significance for Early-onset myopathy with fatal cardiomyopathy. Last evaluated: 2017-04-27. Review status: criteria provided, single submitter. Criteria: ICSL Variant Classification Criteria 13 December 2019. Collection method: clinical testing. Allele origin: germline.

Literature cited by the submitters: PubMed 27930701 (cited by Women's Health and Genetics/Laboratory Corporation of America, LabCorp); PubMed 26516846 (cited by Women's Health and Genetics/Laboratory Corporation of America, LabCorp).

NM_001267550.2(TTN):c.31645A>G (p.Ile10549Val)

Gene: TTN (titin; minus strand). Cytogenetic location: 2q31.2.
Variant type: single nucleotide variant.
Coding change: c.31645A>G on transcript NM_001267550.2 (MANE Select); coding-DNA position 31645, A replaced by G.
Protein change: p.Ile10549Val; replaces isoleucine 10549 with valine.
Molecular consequence: missense variant. On other transcripts: intron variant (3).
Genome position (GRCh38, 1-based): chr2:178,692,530, T>C on the plus strand (A>G on the coding strand, the complement: TTN is on the minus strand). VCF-style: chr2-178692530-T-C. GRCh37 (hg19) VCF-style: chr2-179557257-T-C.
Other names: c.30694A>G, p.Ile10232Val (NM_001256850.1); c.27913A>G, p.Ile9305Val (NM_133378.4); c.13282+45552A>G (NM_003319.4); c.13858+45552A>G (NM_133437.4); c.13657+45552A>G (NM_133432.3); short protein forms I10549V, I9305V, I10232V.
Identifiers: ClinVar variation 467005 (VCV000467005.18), dbSNP rs376613199, ClinGen allele CA1998891.